The following is an entry in ClinVar:

ClinVar aggregate classification (germline): Uncertain significance (1 of 4 stars; one submission).

Submission:

Labcorp Genetics (formerly Invitae), Labcorp
Classification: Uncertain significance. Last evaluated: 2022-09-03. Review status: criteria provided, single submitter. Criteria: Invitae Variant Classification Sherloc (09022015). Collection method: clinical testing. Allele origin: germline.
Comment: This sequence change replaces alanine, which is neutral and non-polar, with valine, which is neutral and non-polar, at codon 264 of the DDX58 protein (p.Ala264Val). In summary, the available evidence is currently insufficient to determine the role of this variant in disease. Therefore, it has been classified as a Variant of Uncertain Significance. Algorithms developed to predict the effect of missense changes on protein structure and function are either unavailable or do not agree on the potential impact of this missense change (SIFT: "Tolerated"; PolyPhen-2: "Probably Damaging"; Align-GVGD: "Class C0"). This variant has not been reported in the literature in individuals affected with DDX58-related conditions. This variant is not present in population databases (gnomAD no frequency).

NM_014314.4(RIGI):c.791C>T (p.Ala264Val)

Gene: RIGI (RNA sensor RIG-I; minus strand). Cytogenetic location: 9p21.1.
Variant type: single nucleotide variant.
Coding change: c.791C>T on transcript NM_014314.4 (MANE Select); coding-DNA position 791, C replaced by T.
Protein change: p.Ala264Val; replaces alanine 264 with valine.
Molecular consequence: missense variant.
Genome position (GRCh38, 1-based): chr9:32,489,352, G>A on the plus strand (C>T on the coding strand, the complement: RIGI is on the minus strand). VCF-style: chr9-32489352-G-A. GRCh37 (hg19) VCF-style: chr9-32489350-G-A.
Other names: c.791C>T, p.Ala264Val (NM_001385907.1, NM_001385909.1); c.350C>T, p.Ala117Val (NM_001385910.1); c.182C>T, p.Ala61Val (NM_001385912.1); c.776C>T, p.Ala259Val (NM_001385913.1); c.347C>T, p.Ala116Val (NM_001385914.1); short protein forms A116V, A264V, A61V, A117V, A259V.
Identifiers: ClinVar variation 2028884 (VCV002028884.4), dbSNP rs2489333964, ClinGen allele CA373158859.